The following is an entry in ClinVar:

NM_024725.4(CCDC82):c.1162C>T (p.Arg388Cys)

Gene: CCDC82 (coiled-coil domain containing 82; minus strand). Cytogenetic location: 11q21.
Variant type: single nucleotide variant.
Coding change: c.1162C>T on transcript NM_024725.4 (MANE Select); coding-DNA position 1162, C replaced by T.
Protein change: p.Arg388Cys; replaces arginine 388 with cysteine.
Molecular consequence: missense variant.
Genome position (GRCh38, 1-based): chr11:96,371,060, G>A on the plus strand (C>T on the coding strand, the complement: CCDC82 is on the minus strand). VCF-style: chr11-96371060-G-A. GRCh37 (hg19) VCF-style: chr11-96104224-G-A.
Other names: c.1162C>T, p.Arg388Cys (NM_001318736.2, NM_001437542.1); c.1093C>T, p.Arg365Cys (NM_001363594.2); short protein forms R365C, R388C.
Identifiers: ClinVar variation 4649718 (VCV004649718.1).
Genomic context (GRCh38, chr11:96,371,060, plus strand): 5'-ACAAACTGTGTACCTTATATTGCTCTTTCCAACGACTTCTAGATACCAAGCTCTCTAGAC[G>A]AGGCTGAACAAAGCGGTTATCCAAATAATGAAGAGATGTTAGCATATCTTTTGCATATGA-3'
Protein context (NP_079001.2, residues 378-398): HYLDNRFVQP[Arg388Cys]LESLVSRSRW

ClinVar aggregate classification (germline): Uncertain significance (1 of 4 stars; one submission).

gnomAD v4.1: 11 of 1,606,746 alleles (0.00068%); highest among the groups gnomAD compares: Non-Finnish European, 0.00093%; no homozygotes.

Submission:

Ambry Genetics
Classification: Uncertain significance. Last evaluated: 2025-10-29. Review status: criteria provided, single submitter. Criteria: Ambry Variant Classification Scheme 2023. Collection method: clinical testing. Allele origin: germline.
Comment: The c.1162C>T (p.R388C) alteration is located in exon 7 (coding exon 4) of the CCDC82 gene. This alteration results from a C to T substitution at nucleotide position 1162, causing the arginine (R) at amino acid position 388 to be replaced by a cysteine (C). Based on data from gnomAD, the T allele has an overall frequency of <0.001% (1/246406) total alleles studied. The highest observed frequency was 0.006% (1/15980) of African alleles. Based on insufficient or conflicting evidence, the clinical significance of this alteration remains unclear.